The following is an entry in ClinVar:

ClinVar aggregate classification (germline): Uncertain significance. Review status: criteria provided, multiple submitters, no conflicts (2 of 4 stars). 2 submissions from 2 submitters: Uncertain significance (2). Last evaluated 2024-12-24.

Allele frequency attached by ClinVar (database versions not stated): ExAC 0.00001; gnomAD 0.00001; TOPMed 0.00001; gnomAD exomes 0.00002.
gnomAD v4.1: 36 of 1,614,042 alleles (0.0022%); highest among the groups gnomAD compares: Non-Finnish European, 0.003%; no homozygotes.

Submissions (2):

Labcorp Genetics (formerly Invitae), Labcorp
Classification: Uncertain significance. Last evaluated: 2024-12-24. Review status: criteria provided, single submitter. Criteria: Invitae Variant Classification Sherloc (09022015). Collection method: clinical testing. Allele origin: germline.
Comment: This sequence change replaces glutamine, which is neutral and polar, with arginine, which is basic and polar, at codon 403 of the GABRB1 protein (p.Gln403Arg). This variant is present in population databases (rs761477324, gnomAD 0.003%). This variant has not been reported in the literature in individuals affected with GABRB1-related conditions. ClinVar contains an entry for this variant (Variation ID: 1477098). Invitae Evidence Modeling of protein sequence and biophysical properties (such as structural, functional, and spatial information, amino acid conservation, physicochemical variation, residue mobility, and thermodynamic stability) indicates that this missense variant is not expected to disrupt GABRB1 protein function with a negative predictive value of 95%. In summary, the available evidence is currently insufficient to determine the role of this variant in disease. Therefore, it has been classified as a Variant of Uncertain Significance.

Ambry Genetics
Classification: Uncertain significance. Last evaluated: 2023-10-05. Review status: criteria provided, single submitter. Criteria: Ambry Variant Classification Scheme 2023. Collection method: clinical testing. Allele origin: germline.

NM_000812.4(GABRB1):c.1208A>G (p.Gln403Arg)

Gene: GABRB1 (gamma-aminobutyric acid type A receptor subunit beta1; plus strand). Cytogenetic location: 4p12.
Variant type: single nucleotide variant.
Coding change: c.1208A>G on transcript NM_000812.4 (MANE Select); coding-DNA position 1208, A replaced by G.
Protein change: p.Gln403Arg; replaces glutamine 403 with arginine.
Molecular consequence: missense variant.
Genome position (GRCh38, 1-based): chr4:47,425,801, A>G. VCF-style: chr4-47425801-A-G. GRCh37 (hg19) VCF-style: chr4-47427818-A-G.
Other names: c.1208A>G (NM_000812.3); short protein forms Q403R.
Identifiers: ClinVar variation 1477098 (VCV001477098.7), dbSNP rs761477324, ClinGen allele CA2907777.